The following is an entry in ClinVar:

ClinVar aggregate classification (germline): Benign/Likely benign. Review status: criteria provided, multiple submitters, no conflicts (2 of 4 stars). 2 submissions from 2 submitters: Benign (1); Likely benign (1). Last evaluated 2025-04-10.

Conditions:
Tuberous sclerosis 1 (TSC1). Identifiers: Orphanet 805, MedGen C1854465, MONDO:0008612, OMIM 191100.

gnomAD v4.1: 1 of 1,614,142 alleles (0.000062%); highest among the groups gnomAD compares: Non-Finnish European, 0.000085%; no homozygotes.

Submissions (2):

Myriad Genetics, Inc.
Classification: Benign for Tuberous sclerosis 1. Last evaluated: 2025-04-10. Review status: criteria provided, single submitter. Criteria: Myriad Autosomal Dominant, Autosomal Recessive and X-Linked Classification Criteria (2023). Collection method: clinical testing. Allele origin: unknown.
Comment: This variant is considered benign. This variant is a silent/synonymous amino acid change and it is not expected to impact splicing.

Labcorp Genetics (formerly Invitae), Labcorp
Classification: Likely benign for Tuberous sclerosis 1. Last evaluated: 2024-03-20. Review status: criteria provided, single submitter. Criteria: Invitae Variant Classification Sherloc (09022015). Collection method: clinical testing. Allele origin: germline.

NM_000368.5(TSC1):c.1623C>T (p.Asp541=)

Gene: TSC1 (TSC complex subunit 1; minus strand). Cytogenetic location: 9q34.13.
Variant type: single nucleotide variant.
Coding change: c.1623C>T on transcript NM_000368.5 (MANE Select); coding-DNA position 1623, C replaced by T.
Protein change: p.Asp541=; no amino-acid change (aspartic acid 541 retained).
Molecular consequence: synonymous variant. On other transcripts: non-coding transcript variant (5).
Genome position (GRCh38, 1-based): chr9:132,905,955, G>A on the plus strand (C>T on the coding strand, the complement: TSC1 is on the minus strand). VCF-style: chr9-132905955-G-A. GRCh37 (hg19) VCF-style: chr9-135781342-G-A.
Other names: c.1620C>T, p.Asp540= (NM_001406600.1, NM_001406603.1, NM_001406604.1 and 6 more transcripts); c.1623C>T, p.Asp541= (NM_001406601.1, NM_001406602.1, NM_001406605.1 and 7 more transcripts); c.1470C>T, p.Asp490= (NM_001406610.1, NM_001162427.2); c.1467C>T, p.Asp489= (NM_001406611.1, NM_001406612.1, NM_001406613.1); c.1260C>T, p.Asp420= (NM_001406614.1, NM_001406615.1, NM_001406616.1 and 5 more transcripts); c.1257C>T, p.Asp419= (NM_001406620.1, NM_001406621.1, NM_001406622.1 and 2 more transcripts); c.672C>T, p.Asp224= (NM_001406626.1); c.669C>T, p.Asp223= (NM_001406627.1, NM_001406628.1); and 1 more.
Identifiers: ClinVar variation 3646899 (VCV003646899.3).